The following is an entry in ClinVar:

NM_000744.7(CHRNA4):c.1801A>G (p.Ile601Val)

Gene: CHRNA4 (cholinergic receptor nicotinic alpha 4 subunit; minus strand). Cytogenetic location: 20q13.33.
Variant type: single nucleotide variant.
Coding change: c.1801A>G on transcript NM_000744.7 (MANE Select); coding-DNA position 1801, A replaced by G.
Protein change: p.Ile601Val; replaces isoleucine 601 with valine.
Molecular consequence: missense variant. On other transcripts: non-coding transcript variant (1).
Genome position (GRCh38, 1-based): chr20:63,346,821, T>C on the plus strand (A>G on the coding strand, the complement: CHRNA4 is on the minus strand). VCF-style: chr20-63346821-T-C. GRCh37 (hg19) VCF-style: chr20-61978173-T-C.
Other names: c.1273A>G, p.Ile425Val (NM_001256573.2); c.1801A>G (NM_000744.5); short protein forms I425V, I601V.
Identifiers: ClinVar variation 3050602 (VCV003050602.3), dbSNP rs746151079, ClinGen allele CA409631129.

ClinVar aggregate classification (germline): Uncertain significance. Review status: criteria provided, single submitter (1 of 4 stars). 2 submissions from 2 submitters: Uncertain significance (1). 1 of the submissions does not count toward it. Last evaluated 2023-06-16.

Conditions:
CHRNA4-related disorder. Also called: CHRNA4-related condition.

gnomAD v4.1: 2 of 1,612,668 alleles (0.00012%); highest among the groups gnomAD compares: Non-Finnish European, 0.00017%; no homozygotes.

Submissions (2):

GeneDx
Classification: Uncertain significance. Last evaluated: 2023-06-16. Review status: criteria provided, single submitter. Criteria: GeneDx Variant Classification Process June 2021. Collection method: clinical testing. Allele origin: germline. Affected: yes.
Comment: Not observed at significant frequency in large population cohorts (gnomAD); In silico analysis supports that this missense variant does not alter protein structure/function; Has not been previously published as pathogenic or benign to our knowledge

PreventionGenetics, part of Exact Sciences
Classification: Uncertain significance for CHRNA4-related condition. Last evaluated: 2023-10-30. Review status: no assertion criteria provided. Collection method: clinical testing. Allele origin: germline. Not counted in ClinVar's aggregate classification.
Comment: The CHRNA4 c.1801A>G variant is predicted to result in the amino acid substitution p.Ile601Val. To our knowledge, this variant has not been reported in the literature or in a large population database, indicating this variant is rare. At this time, the clinical significance of this variant is uncertain due to the absence of conclusive functional and genetic evidence.